The following is an entry in ClinVar:

ClinVar aggregate classification (germline): Uncertain significance (1 of 4 stars; one submission).

Conditions:
Myofibrillar myopathy 4. Also called: Zaspopathy (type). Identifiers: Orphanet 98912, MedGen C4721886, MONDO:0012277, OMIM 609452.

gnomAD v4.1: 8 of 1,591,524 alleles (0.0005%); highest among the groups gnomAD compares: Non-Finnish European, 0.00068%; no homozygotes.

Submission:

Labcorp Genetics (formerly Invitae), Labcorp
Classification: Uncertain significance for Myofibrillar myopathy 4. Last evaluated: 2024-06-04. Review status: criteria provided, single submitter. Criteria: Invitae Variant Classification Sherloc (09022015). Collection method: clinical testing. Allele origin: germline.
Comment: The LDB3 gene has multiple clinically relevant transcripts. This variant occurs in alternate transcript NM_007078.3, and corresponds to NM_001080116.1:c.*17018C>G in the primary transcript. This sequence change replaces proline, which is neutral and non-polar, with alanine, which is neutral and non-polar, at codon 433 of the LDB3 protein (p.Pro433Ala). This variant is not present in population databases (gnomAD no frequency). This variant has not been reported in the literature in individuals affected with LDB3-related conditions. Experimental studies and prediction algorithms are not available or were not evaluated, and the functional significance of this variant is currently unknown. In summary, the available evidence is currently insufficient to determine the role of this variant in disease. Therefore, it has been classified as a Variant of Uncertain Significance.

NM_007078.3(LDB3):c.1297C>G (p.Pro433Ala)

Gene: LDB3 (LIM domain binding 3; plus strand). Cytogenetic location: 10q23.2.
Variant type: single nucleotide variant.
Coding change: c.1297C>G on transcript NM_007078.3 (MANE Select); coding-DNA position 1297, C replaced by G.
Protein change: p.Pro433Ala; replaces proline 433 with alanine.
Molecular consequence: missense variant.
Genome position (GRCh38, 1-based): chr10:86,716,392, C>G. VCF-style: chr10-86716392-C-G. GRCh37 (hg19) VCF-style: chr10-88476149-C-G.
Other names: c.967C>G, p.Pro323Ala (NM_001080114.2); c.1312C>G, p.Pro438Ala (NM_001171610.2); c.1108C>G, p.Pro370Ala (NM_001368064.1, NM_001368065.1); c.1156C>G, p.Pro386Ala (NM_001368066.1); short protein forms P370A, P323A, P386A, P433A, P438A.
Identifiers: ClinVar variation 3702577 (VCV003702577.2).
Genomic context (GRCh38, chr10:86,716,392, plus strand): 5'-GCATCTACCTACAGCCCGTCCCCAGGGGCCAATTACAGTCCCACTCCCTACACCCCCTCC[C>G]CTGCCCCTGCCTACACCCCCTCCCCTGCCCCTGCCTACACCCCCTCACCTGTCCCCACCT-3'
Protein context (NP_009009.1, residues 423-443): NYSPTPYTPS[Pro433Ala]APAYTPSPAP